The following is an entry in ClinVar:

NM_004371.4(COPA):c.2483GAG[1] (p.Gly829del)

Gene: COPA (coat protein complex I subunit alpha; minus strand). Cytogenetic location: 1q23.2.
Variant type: Microsatellite.
Coding change: c.2483GAG[1] on transcript NM_004371.4 (MANE Select); one copy of the 3-base unit GAG starting at c.2483; the reference has two copies in a row; one copy, 3 bases deleted.
Protein change: p.Gly829del; deletes glycine 829.
Molecular consequence: inframe deletion.
Genome position (GRCh38, 1-based): chr1:160,294,846-160,294,848, CTC deleted on the plus strand (GAG on the coding strand, the reverse complement: COPA is on the minus strand); deleting any 3 consecutive bases within chr1:160,294,846-160,294,852 gives the same sequence; the position shown is the placement nearest the transcript's 3' end. VCF-style (leftmost placement, unchanged base first): chr1-160294845-GCTC-G. GRCh37 (hg19) VCF-style: chr1-160264635-GCTC-G.
Other names: c.2510GAG[1], p.Gly838del (NM_001098398.2); short protein forms G829del, G838del.
Identifiers: ClinVar variation 2785106 (VCV002785106.3), dbSNP rs1385646778, ClinGen allele CA526678952.

ClinVar aggregate classification (germline): Uncertain significance (1 of 4 stars; one submission).

Conditions:
Autoimmune interstitial lung disease-arthritis syndrome. Also called: Autoinflammation and autoimmunity, systemic, with immune dysregulation. Identifiers: Orphanet 444092, MedGen C5975714, MONDO:0014629.

Submission:

Labcorp Genetics (formerly Invitae), Labcorp
Classification: Uncertain significance for Autoimmune interstitial lung disease-arthritis syndrome. Last evaluated: 2025-10-09. Review status: criteria provided, single submitter. Criteria: Invitae Variant Classification Sherloc (09022015). Collection method: clinical testing. Allele origin: germline.
Comment: This variant, c.2486_2488del, results in the deletion of 1 amino acid(s) of the COPA protein (p.Gly829del), but otherwise preserves the integrity of the reading frame. This variant is present in population databases (no rsID available, gnomAD 0.01%). This variant has not been reported in the literature in individuals affected with COPA-related conditions. Experimental studies and prediction algorithms are not available or were not evaluated, and the functional significance of this variant is currently unknown. In summary, the available evidence is currently insufficient to determine the role of this variant in disease. Therefore, it has been classified as a Variant of Uncertain Significance.